The following is an entry in ClinVar:

ClinVar aggregate classification (germline): Uncertain significance (1 of 4 stars; one submission).

gnomAD v4.1: 10 of 1,601,700 alleles (0.00062%); highest among the groups gnomAD compares: Non-Finnish European, 0.00077%; no homozygotes.

Submission:

Labcorp Genetics (formerly Invitae), Labcorp
Classification: Uncertain significance. Last evaluated: 2024-02-20. Review status: criteria provided, single submitter. Criteria: Invitae Variant Classification Sherloc (09022015). Collection method: clinical testing. Allele origin: germline.
Comment: This sequence change replaces alanine, which is neutral and non-polar, with threonine, which is neutral and polar, at codon 292 of the ANGPT1 protein (p.Ala292Thr). This variant is not present in population databases (gnomAD no frequency). This variant has not been reported in the literature in individuals affected with ANGPT1-related conditions. An algorithm developed to predict the effect of missense changes on protein structure and function (PolyPhen-2) suggests that this variant is likely to be disruptive. In summary, the available evidence is currently insufficient to determine the role of this variant in disease. Therefore, it has been classified as a Variant of Uncertain Significance.

NM_001146.5(ANGPT1):c.874G>A (p.Ala292Thr)

Gene: ANGPT1 (angiopoietin 1; minus strand). Cytogenetic location: 8q23.1.
Variant type: single nucleotide variant.
Coding change: c.874G>A on transcript NM_001146.5 (MANE Select); coding-DNA position 874, G replaced by A.
Protein change: p.Ala292Thr; replaces alanine 292 with threonine.
Molecular consequence: missense variant.
Genome position (GRCh38, 1-based): chr8:107,303,302, C>T on the plus strand (G>A on the coding strand, the complement: ANGPT1 is on the minus strand). VCF-style: chr8-107303302-C-T. GRCh37 (hg19) VCF-style: chr8-108315530-C-T.
Other names: c.871G>A, p.Ala291Thr (NM_001199859.3); c.274G>A, p.Ala92Thr (NM_001314051.2); short protein forms A291T, A292T, A92T.
Identifiers: ClinVar variation 3620126 (VCV003620126.2).
Genomic context (GRCh38, chr8:107,303,302, plus strand): 5'-TTTTGGGTTCTGGCATATTATTAATATAAATAGTGTAGATTCCACTTTTATTAAAACCAG[C>T]TTGATATACATCTGCACAGTCTCTAAATGGTTTCTCTTCCTCTCTTTTTCCTCCCTTTAG-3'
Protein context (NP_001137.2, residues 282-302): PFRDCADVYQ[Ala292Thr]GFNKSGIYTI